The following is an entry in ClinVar:

NM_025114.4(CEP290):c.7263del (p.Phe2421fs)

Genes: CEP290 (centrosomal protein 290; minus strand), RLIG1 (RNA 5'-phosphate and 3'-OH ligase 1; plus strand). Cytogenetic location: 12q21.32.
Variant type: Deletion.
Coding change: c.7263del on transcript NM_025114.4 (MANE Select); coding-DNA position 7263, one base deleted (T; older notation c.7263delT).
Protein change: p.Phe2421fs; shifts the reading frame from phenylalanine 2421.
Molecular consequence: frameshift variant. On other transcripts: 3 prime UTR variant (1).
Genome position (GRCh38, 1-based): chr12:88,049,361, A deleted on the plus strand (T on the coding strand, the reverse complement: CEP290 is on the minus strand); the first of 6 consecutive A bases (chr12:88,049,361-88,049,366); deleting any one gives the same sequence. VCF-style (leftmost placement, unchanged base first): chr12-88049360-CA-C. GRCh37 (hg19) VCF-style: chr12-88443137-CA-C.
Other names: c.*944del (NM_001009894.3); short protein forms F2421fs.
Identifiers: ClinVar variation 2947800 (VCV002947800.4), dbSNP rs1219184437, ClinGen allele CA2620102757.
Genomic context (GRCh38, chr12:88,049,360, plus strand): 5'-CTAAGAGAATATTCTTCTTCACTTCTTCCTTGTAATTATACTTAAGATCTTCAATTTCTT[CA>C]AAAAATGAAGGATCAAAATTTTCCAGTTCTTTTTTCAGCTTCTTTATTTCCTCCTAATGG-3'

ClinVar aggregate classification (germline): Pathogenic/Likely pathogenic. Review status: criteria provided, multiple submitters, no conflicts (2 of 4 stars). 2 submissions from 2 submitters: Pathogenic (1); Likely pathogenic (1). Last evaluated 2024-06-11.

Conditions:
Joubert syndrome. Also called: CEREBELLOPARENCHYMAL DISORDER IV; JOUBERT-BOLTSHAUSER SYNDROME; Familial aplasia of the vermis. Identifiers: Orphanet 475, MedGen C5979921, MONDO:0018772.
Nephronophthisis. Also called: Juvenile Nephronophthisis. Identifiers: Orphanet 655, MedGen C0687120, MONDO:0019005, HP:0000090.
Meckel-Gruber syndrome. Also called: DYSENCEPHALIA SPLANCHNOCYSTICA; GRUBER SYNDROME; Dysencephalia splachnocystica. Identifiers: Orphanet 564, MedGen C0265215, MONDO:0018921.
Joubert syndrome 5 (JBTS5). Identifiers: Orphanet 2318, MedGen C1857780, MONDO:0012432, OMIM 610188.
Meckel syndrome, type 4 (MKS4). Also called: MECKEL-GRUBER SYNDROME, TYPE 4. Identifiers: Orphanet 564, MedGen C1970161, MONDO:0012626, OMIM 611134.
Senior-Loken syndrome 6 (SLSN6). Identifiers: Orphanet 3156, MedGen C1857779, MONDO:0012433, OMIM 610189.
Bardet-Biedl syndrome 14 (BBS14). Identifiers: Orphanet 110, MedGen C2673874, MONDO:0014442, OMIM 615991.
Leber congenital amaurosis 10 (LCA10). Identifiers: Orphanet 65, MedGen C1857821, MONDO:0012723, OMIM 611755.

Submissions (2):

Fulgent Genetics
Classification: Likely pathogenic for Joubert syndrome 5; Senior-Loken syndrome 6; Meckel syndrome, type 4; Leber congenital amaurosis 10; Bardet-Biedl syndrome 14. Last evaluated: 2024-06-11. Review status: criteria provided, single submitter. Criteria: ACMG Guidelines, 2015. Collection method: clinical testing. Allele origin: germline.

Labcorp Genetics (formerly Invitae), Labcorp
Classification: Pathogenic for Joubert syndrome; Meckel-Gruber syndrome; Nephronophthisis. Last evaluated: 2023-05-15. Review status: criteria provided, single submitter. Criteria: Invitae Variant Classification Sherloc (09022015). Collection method: clinical testing. Allele origin: germline.
Comment: For these reasons, this variant has been classified as Pathogenic. This variant disrupts a region of the CEP290 protein in which other variant(s) (p.Thr2457Alafs*27) have been determined to be pathogenic (PMID: 20683928, 30193310). This suggests that this is a clinically significant region of the protein, and that variants that disrupt it are likely to be disease-causing. This variant has not been reported in the literature in individuals affected with CEP290-related conditions. This variant is not present in population databases (gnomAD no frequency). This sequence change creates a premature translational stop signal (p.Phe2421Leufs*15) in the CEP290 gene. While this is not anticipated to result in nonsense mediated decay, it is expected to disrupt the last 59 amino acid(s) of the CEP290 protein.

Literature cited by the submitters: PubMed 20683928 (cited by Labcorp Genetics (formerly Invitae), Labcorp); PubMed 30193310 (cited by Labcorp Genetics (formerly Invitae), Labcorp).